The following is an entry in ClinVar:

ClinVar aggregate classification (germline): Pathogenic. Review status: criteria provided, multiple submitters, no conflicts (2 of 4 stars). 2 submissions from 2 submitters: Pathogenic (2). Last evaluated 2025-07-03.

Conditions:
Hypertrophic cardiomyopathy 26. Also called: Cardiomyopathy, familial hypertrophic, 26. Identifiers: Orphanet 75249, MedGen C4310749, MONDO:0014883, OMIM 617047.
Myofibrillar myopathy 5. Also called: Filaminopathy (type); FILAMINOPATHY, AUTOSOMAL DOMINANT. Identifiers: Orphanet 171445, MedGen C1836050, MONDO:0012289, OMIM 609524.
Distal myopathy with posterior leg and anterior hand involvement. Also called: WILLIAMS DISTAL MYOPATHY. Identifiers: Orphanet 63273, MedGen C3279722, MONDO:0013550, OMIM 614065.

gnomAD v4.1: 1 of 1,612,930 alleles (0.000062%); no homozygotes.

Submissions (2):

Labcorp Genetics (formerly Invitae), Labcorp
Classification: Pathogenic for Distal myopathy with posterior leg and anterior hand involvement; Myofibrillar myopathy 5; Hypertrophic cardiomyopathy 26. Last evaluated: 2025-07-03. Review status: criteria provided, single submitter. Criteria: Invitae Variant Classification Sherloc (09022015). Collection method: clinical testing. Allele origin: germline.
Comment: This sequence change creates a premature translational stop signal (p.Tyr1840*) in the FLNC gene. It is expected to result in an absent or disrupted protein product. Loss-of-function variants in FLNC are known to be pathogenic (PMID: 27908349). This variant is not present in population databases (gnomAD no frequency). This premature translational stop signal has been observed in individual(s) with dilated cardiomyopathy (PMID: 26688388). ClinVar contains an entry for this variant (Variation ID: 1070523). For these reasons, this variant has been classified as Pathogenic.

Servicio Canario de Salud, Hospital Universitario Nuestra Sra. de Candelaria
Classification: Pathogenic for Hypertrophic cardiomyopathy 26. Last evaluated: 2025-05-28. Review status: criteria provided, single submitter. Criteria: ACMG Guidelines, 2015. Collection method: clinical testing. Allele origin: germline. Inheritance: Autosomal dominant inheritance. Affected: yes. Observed: 1 heterozygote.
Comment: The Tyr1840Ter variant in FLNC has been reported in one spanish family (index case and affected sister, mother and maternal aunt) with autosomal dominant dilated and arrhythmogenic cardiomyopathy. The Tyr1840Ter variant meets our criteria to be classified as pathogenic.

Literature cited by the submitters: PubMed 27908349 (cited by Labcorp Genetics (formerly Invitae), Labcorp); PubMed 26688388 (cited by Labcorp Genetics (formerly Invitae), Labcorp).

NM_001458.5(FLNC):c.5520T>A (p.Tyr1840Ter)

Genes: FLNC (filamin C; plus strand), FLNC-AS1 (FLNC antisense RNA 1; minus strand). Cytogenetic location: 7q32.1.
Variant type: single nucleotide variant.
Coding change: c.5520T>A on transcript NM_001458.5 (MANE Select); coding-DNA position 5520, T replaced by A.
Protein change: p.Tyr1840Ter; replaces tyrosine 1840 with a stop codon.
Molecular consequence: nonsense.
Genome position (GRCh38, 1-based): chr7:128,850,924, T>A. VCF-style: chr7-128850924-T-A. GRCh37 (hg19) VCF-style: chr7-128490978-T-A.
Other names: c.5421T>A, p.Tyr1807Ter (NM_001127487.2); c.5520T>A (NM_001458.4); short protein forms Y1807*, Y1840*.
Identifiers: ClinVar variation 1070523 (VCV001070523.10), dbSNP rs1808781579, ClinGen allele CA369207006.